The following is an entry in ClinVar:

ClinVar aggregate classification (germline): Likely benign (0 of 4 stars; one submission).

Conditions:
TP53I3-related disorder. Also called: TP53I3-related condition.

Allele frequency attached by ClinVar (database versions not stated): gnomAD exomes 0.00013; gnomAD 0.00151; ExAC 0.00043; 1000 Genomes Project 0.00100; 1000 Genomes Project 30x 0.00109; ESP Exome Variant Server 0.00138; TOPMed 0.00173.
gnomAD v4.1: 429 of 1,614,186 alleles (0.027%); highest among the groups gnomAD compares: African/African-American, 0.52%; 1 homozygote.

Submission:

PreventionGenetics, part of Exact Sciences
Classification: Likely benign for TP53I3-related condition. Last evaluated: 2022-08-04. Review status: no assertion criteria provided. Collection method: clinical testing. Allele origin: germline.
Comment: This variant is classified as likely benign based on ACMG/AMP sequence variant interpretation guidelines (Richards et al. 2015 PMID: 25741868, with internal and published modifications).

NM_004881.5(TP53I3):c.585G>C (p.Glu195Asp)

Genes: FAM228B (family with sequence similarity 228 member B; plus strand), TP53I3 (tumor protein p53 inducible protein 3; minus strand). Cytogenetic location: 2p23.3.
Variant type: single nucleotide variant.
Coding change: c.585G>C on transcript NM_004881.5 (MANE Select); coding-DNA position 585, G replaced by C.
Protein change: p.Glu195Asp; replaces glutamic acid 195 with aspartic acid.
Molecular consequence: missense variant. On other transcripts: intron variant (1).
Genome position (GRCh38, 1-based): chr2:24,080,853, C>G on the plus strand (G>C on the coding strand, the complement: TP53I3 is on the minus strand). VCF-style: chr2-24080853-C-G. GRCh37 (hg19) VCF-style: chr2-24303723-C-G.
Other names: c.585G>C, p.Glu195Asp (NM_001206802.2, NM_147184.4); c.-289-23C>G (NM_001291328.2); short protein forms E195D.
Identifiers: ClinVar variation 3040432 (VCV003040432.2), dbSNP rs61758081, ClinGen allele CA1549605.